The following is an entry in ClinVar:

NM_032856.5(WDR73):c.82C>T (p.Arg28Ter)

Gene: WDR73 (WD repeat domain 73; minus strand). Cytogenetic location: 15q25.2.
Variant type: single nucleotide variant.
Coding change: c.82C>T on transcript NM_032856.5 (MANE Select); coding-DNA position 82, C replaced by T.
Protein change: p.Arg28Ter; replaces arginine 28 with a stop codon.
Molecular consequence: nonsense. On other transcripts: non-coding transcript variant (4).
Genome position (GRCh38, 1-based): chr15:84,653,659, G>A on the plus strand (C>T on the coding strand, the complement: WDR73 is on the minus strand). VCF-style: chr15-84653659-G-A. GRCh37 (hg19) VCF-style: chr15-85196890-G-A.
Other names: short protein forms R28*.
Identifiers: ClinVar variation 3390598 (VCV003390598.3).

ClinVar aggregate classification (germline): Pathogenic. Review status: criteria provided, multiple submitters, no conflicts (2 of 4 stars). 2 submissions from 2 submitters: Pathogenic (2). Last evaluated 2025-01-02.

Conditions:
Galloway-Mowat syndrome 1 (GAMOS1). Identifiers: Orphanet 2065, Orphanet 83472, MedGen C4551772, MONDO:0033005, OMIM 251300.

gnomAD v4.1: 15 of 1,595,638 alleles (0.00094%); highest among the groups gnomAD compares: African/African-American, 0.0013%; no homozygotes.

Submissions (2):

Women's Health and Genetics/Laboratory Corporation of America, LabCorp
Classification: Pathogenic for Galloway-Mowat syndrome 1. Last evaluated: 2025-01-02. Review status: criteria provided, single submitter. Criteria: LabCorp Variant Classification Summary - May 2015. Collection method: clinical testing. Allele origin: germline.
Comment: Variant summary: WDR73 c.82C>T (p.Arg28X) results in a premature termination codon, predicted to cause a truncation of the encoded protein or absence of the protein due to nonsense mediated decay, which are commonly known mechanisms for disease. The variant allele was found at a frequency of 4.5e-06 in 221864 control chromosomes (gnomAD v2.1). To our knowledge, no occurrence of c.82C>T in individuals affected with Galloway-Mowat Syndrome 1 and no experimental evidence demonstrating its impact on protein function have been reported. ClinVar contains an entry for this variant (Variation ID: 3390598). Based on the evidence outlined above, the variant was classified as pathogenic.

GeneDx
Classification: Pathogenic. Last evaluated: 2024-06-03. Review status: criteria provided, single submitter. Criteria: GeneDx Variant Classification Process June 2021. Collection method: clinical testing. Allele origin: germline. Affected: yes.
Comment: Nonsense variant predicted to result in protein truncation or nonsense mediated decay in a gene for which loss of function is a known mechanism of disease; Not observed at significant frequency in large population cohorts (gnomAD); Has not been previously published as pathogenic or benign to our knowledge